The following is an entry in ClinVar:

ClinVar aggregate classification (germline): Conflicting classifications of pathogenicity. Review status: criteria provided, conflicting classifications (1 of 4 stars). 6 submissions from 6 submitters: Likely pathogenic (2); Uncertain significance (3). 1 of the submissions does not count toward it. Last evaluated 2025-09-30.

Conditions:
Muscular dystrophy-dystroglycanopathy (congenital with brain and eye anomalies), type A3. Also called: WALKER-WARBURG SYNDROME OR MUSCLE-EYE-BRAIN DISEASE, POMGNT1-RELATED; Congenital muscular dystrophy-dystroglycanopathy with brain and eye anomalies, type A3; Muscular dystrophy-dystroglycanopathy (congenital with brain and eye anomalies), type A, 3. Identifiers: MedGen C3151519, MONDO:0009667, OMIM 253280.
Retinitis pigmentosa 76 (RP76). Identifiers: MedGen C4310704, MONDO:0014929, OMIM 617123.
Muscular dystrophy-dystroglycanopathy (congenital with impaired intellectual development), type B, 3. Also called: Muscular dystrophy-dystroglycanopathy (congenital with intellectual disability), type B3; MUSCULAR DYSTROPHY, CONGENITAL, POMGNT1-RELATED. Identifiers: MedGen C3150412, MONDO:0013155, OMIM 613151.
Autosomal recessive limb-girdle muscular dystrophy type 2O. Also called: MUSCULAR DYSTROPHY-DYSTROGLYCANOPATHY (LIMB-GIRDLE), TYPE C, 3; Limb-Girdle Muscular Dystrophy Type 3C; MUSCULAR DYSTROPHY-DYSTROGLYCANOPATHY, LIMB-GIRDLE, POMGNT1-RELATED. Identifiers: Orphanet 206564, MedGen C3150417, MONDO:0013161, OMIM 613157.
Muscle eye brain disease (MEB). Also called: Santavuori congenital muscular dystrophy. Identifiers: Orphanet 588, Orphanet 899, MedGen C0457133, MONDO:0018939.

Allele frequency attached by ClinVar (database versions not stated): gnomAD exomes below 0.00001 and 0.00001; TOPMed 0.00001; ExAC 0.00002; gnomAD 0.00002 and 0.00003; 1000 Genomes Project 0.00020; 1000 Genomes Project 30x 0.00031.
gnomAD v4.1: 11 of 1,614,108 alleles (0.00068%); highest among the groups gnomAD compares: Admixed American, 0.0017%; no homozygotes.

Submissions (6):

Natera, Inc.
Classification: Likely pathogenic for Muscle-eye-brain disease. Last evaluated: 2025-09-30. Review status: criteria provided, single submitter. Criteria: Natera Variant Classification Schema (03/2026). Collection method: clinical testing. Allele origin: germline.
Comment: The c.860T>G variant in POMGNT1 is a missense variant predicted to cause substitution of isoleucine to serine at amino acid 287. This variant is rare in the general population with a frequency below the threshold expected for the associated phenotype(s). This variant has been observed in one or more individuals affected with the associated recessive disease, as either homozygous or compound heterozygous with a second variant (PMID: 26908613). Additionally, this variant has been observed to segregate in affected family members (PMID: 26908613). Functional studies show that this variant may disrupt protein function (PMID: 26908613). Computational prediction algorithms indicate this variant is likely to affect gene or protein function. Given the available evidence, this variant is classified as Likely Pathogenic.

Labcorp Genetics (formerly Invitae), Labcorp
Classification: Uncertain significance for Autosomal recessive limb-girdle muscular dystrophy type 2O; Muscular dystrophy-dystroglycanopathy (congenital with impaired intellectual development), type B, 3. Last evaluated: 2025-02-20. Review status: criteria provided, single submitter. Criteria: Invitae Variant Classification Sherloc (09022015). Collection method: clinical testing. Allele origin: germline.
Comment: This sequence change replaces isoleucine, which is neutral and non-polar, with serine, which is neutral and polar, at codon 287 of the POMGNT1 protein (p.Ile287Ser). This variant is present in population databases (rs200863680, gnomAD 0.007%). This missense change has been observed in individual(s) with retinitis pigmentosa (PMID: 26908613). In at least one individual the data is consistent with being in trans (on the opposite chromosome) from a pathogenic variant. It has also been observed to segregate with disease in related individuals. ClinVar contains an entry for this variant (Variation ID: 254270). Invitae Evidence Modeling of protein sequence and biophysical properties (such as structural, functional, and spatial information, amino acid conservation, physicochemical variation, residue mobility, and thermodynamic stability) indicates that this missense variant is not expected to disrupt POMGNT1 protein function with a negative predictive value of 95%. In summary, the available evidence is currently insufficient to determine the role of this variant in disease. Therefore, it has been classified as a Variant of Uncertain Significance.

Baylor Genetics
Classification: Likely pathogenic for Muscular dystrophy-dystroglycanopathy (congenital with brain and eye anomalies), type A3. Last evaluated: 2024-03-01. Review status: criteria provided, single submitter. Criteria: ACMG Guidelines, 2015. Collection method: clinical testing. Allele origin: unknown.

Women's Health and Genetics/Laboratory Corporation of America, LabCorp
Classification: Uncertain significance. Last evaluated: 2023-11-15. Review status: criteria provided, single submitter. Criteria: LabCorp Variant Classification Summary - May 2015. Collection method: clinical testing. Allele origin: germline.
Comment: Variant summary: POMGNT1 c.860T>G (p.Ile287Ser) results in a non-conservative amino acid change in the encoded protein sequence. Five of five in-silico tools predict a damaging effect of the variant on protein function. The variant allele was found at a frequency of 1.2e-05 in 251462 control chromosomes (gnomAD). c.860T>G has been reported in the literature in the compound heterozygous state in trans with a pathogenic variant in two siblings affected with autosomal recessive retinitis pigmentosa, without additional clinical features suggestive of muscular dystrophy, and it segregated with this phenotype in the family (Xu_2016). This report does not provide unequivocal conclusions about association of the variant with Limb-Girdle Muscular Dystrophy. At least one publication reports experimental evidence evaluating an impact on protein function (Xu_2016). The most pronounced variant effect results in 10%-<30% of WT enzyme activity. The following publications have been ascertained in the context of this evaluation (PMID: 36819107, 26908613). Three submitters have cited clinical-significance assessments for this variant to ClinVar after 2014. All submitters classified the variant as uncertain significance. Based on the evidence outlined above, the variant was classified as VUS-possibly pathogenic.

Revvity Omics, Revvity
Classification: Uncertain significance. Last evaluated: 2019-08-13. Review status: criteria provided, single submitter. Criteria: ACMG Guidelines, 2015. Collection method: clinical testing. Allele origin: germline.

OMIM
Classification: Pathogenic for RETINITIS PIGMENTOSA 76. Last evaluated: 2016-09-20. Review status: no assertion criteria provided. Collection method: literature only. Allele origin: germline. Not counted in ClinVar's aggregate classification.

Literature cited by the submitters: PubMed 26908613 (cited by 4 submitters); PubMed 36819107 (cited by Women's Health and Genetics/Laboratory Corporation of America, LabCorp).

NM_017739.4(POMGNT1):c.860T>G (p.Ile287Ser)

Genes: POMGNT1 (protein O-linked mannose N-acetylglucosaminyltransferase 1 (beta 1,2-); minus strand), TSPAN1 (tetraspanin 1; plus strand). Cytogenetic location: 1p34.1.
Variant type: single nucleotide variant.
Coding change: c.860T>G on transcript NM_017739.4 (MANE Select); coding-DNA position 860, T replaced by G.
Protein change: p.Ile287Ser; replaces isoleucine 287 with serine.
Molecular consequence: missense variant.
Genome position (GRCh38, 1-based): chr1:46,194,293, A>C on the plus strand (T>G on the coding strand, the complement: POMGNT1 is on the minus strand). VCF-style: chr1-46194293-A-C. GRCh37 (hg19) VCF-style: chr1-46659965-A-C.
Other names: c.860T>G, p.Ile287Ser (NM_001243766.2, NM_001410783.1); c.794T>G, p.Ile265Ser (NM_001290129.3); c.431T>G, p.Ile144Ser (NM_001290130.2); short protein forms I287S, I144S, I265S.
Identifiers: ClinVar variation 254270 (VCV000254270.14), dbSNP rs200863680, ClinGen allele CA833593.
Genomic context (GRCh38, chr1:46,194,293, plus strand): 5'-GGGAAGGAGTCCAAACCTCACTGTCTTAAGGCCCCACTCACTGGGTCAGGGCTGAACTCG[A>C]TGGGTGTGGGGTCCTTGCAGCTGCATACACTTCCATAGCCCTCAACTTTGCTGCAGAAGC-3'
Protein context (NP_060209.4, residues 277-297): SVCSCKDPTP[Ile287Ser]EFSPDPLPDN